The following is an entry in ClinVar:

ClinVar aggregate classification (germline): Conflicting classifications of pathogenicity. Review status: criteria provided, conflicting classifications (1 of 4 stars). 2 submissions from 2 submitters: Pathogenic (1); Uncertain significance (1). Last evaluated 2025-03-05.

Submissions (2):

GeneDx
Classification: Pathogenic. Last evaluated: 2025-03-05. Review status: criteria provided, single submitter. Criteria: GeneDx Variant Classification Process June 2021. Collection method: clinical testing. Allele origin: germline. Affected: yes.
Comment: Not observed at significant frequency in large population cohorts (gnomAD); In silico analysis supports a deleterious effect on protein structure/function; This variant is associated with the following publications: (PMID: 36833222)

Labcorp Genetics (formerly Invitae), Labcorp
Classification: Uncertain significance. Last evaluated: 2023-06-07. Review status: criteria provided, single submitter. Criteria: Invitae Variant Classification Sherloc (09022015). Collection method: clinical testing. Allele origin: germline.
Comment: This sequence change replaces serine, which is neutral and polar, with asparagine, which is neutral and polar, at codon 2181 of the NSD1 protein (p.Ser2181Asn). Information on the frequency of this variant in the gnomAD database is not available, as this variant may be reported differently in the database. This variant has not been reported in the literature in individuals affected with NSD1-related conditions. An algorithm developed to predict the effect of missense changes on protein structure and function (PolyPhen-2) suggests that this variant is likely to be disruptive. In summary, the available evidence is currently insufficient to determine the role of this variant in disease. Therefore, it has been classified as a Variant of Uncertain Significance.

NM_022455.5(NSD1):c.6541_6542delinsAA (p.Ser2181Asn)

Gene: NSD1 (nuclear receptor binding SET domain protein 1; plus strand). Cytogenetic location: 5q35.3.
Variant type: Indel.
Coding change: c.6541_6542delinsAA on transcript NM_022455.5 (MANE Select); coding-DNA positions 6541 to 6542, TC replaced by AA.
Protein change: p.Ser2181Asn; replaces serine 2181 with asparagine.
Molecular consequence: missense variant.
Genome position (GRCh38, 1-based): chr5:177,293,909-177,293,910, TC replaced by AA. VCF-style: chr5-177293909-TC-AA. GRCh37 (hg19) VCF-style: chr5-176720910-TC-AA.
Other names: c.6541_6542delinsAA (NM_022455.4); c.5779_5780delinsAA, p.Ser1927Asn (NM_001409307.1, NM_001409306.1); c.5668_5669delinsAA, p.Ser1890Asn (NM_001409308.1, NM_172349.5, NM_001365684.2); c.5419_5420delinsAA, p.Ser1807Asn (NM_001409309.1); c.6541_6542delTCinsAA, p.Ser2181Asn (NM_022455.4); c.6541_6542delinsAA, p.Ser2181Asn (NM_001409301.1, NM_001409302.1, NM_001409303.1); c.6121_6122delinsAA, p.Ser2041Asn (NM_001409304.1); c.5788_5789delinsAA, p.Ser1930Asn (NM_001409305.1); short protein forms S1927N, S1930N, S1807N, S1890N, S2041N, S2181N.
Identifiers: ClinVar variation 3668953 (VCV003668953.3).